The following is an entry in ClinVar:

NM_001372.4(DNAH9):c.6520C>T (p.Arg2174Cys)

Gene: DNAH9 (dynein axonemal heavy chain 9; plus strand). Cytogenetic location: 17p12.
Variant type: single nucleotide variant.
Coding change: c.6520C>T on transcript NM_001372.4 (MANE Select); coding-DNA position 6520, C replaced by T.
Protein change: p.Arg2174Cys; replaces arginine 2174 with cysteine.
Molecular consequence: missense variant.
Genome position (GRCh38, 1-based): chr17:11,747,676, C>T. VCF-style: chr17-11747676-C-T. GRCh37 (hg19) VCF-style: chr17-11650993-C-T.
Other names: short protein forms R2174C.
Identifiers: ClinVar variation 1925735 (VCV001925735.8), dbSNP rs143563564, ClinGen allele CA8396335.

ClinVar aggregate classification (germline): Uncertain significance. Review status: criteria provided, multiple submitters, no conflicts (2 of 4 stars). 3 submissions from 3 submitters: Uncertain significance (3). Last evaluated 2025-04-17.

Conditions:
DNAH9-related disorder. Also called: DNAH9-related condition.
Inborn genetic diseases. Identifiers: MedGen C0950123, MeSH D030342.

Allele frequency attached by ClinVar (database versions not stated): gnomAD exomes 0.00001; gnomAD 0.00005; TOPMed 0.00005; ExAC 0.00006; ESP Exome Variant Server 0.00031.
gnomAD v4.1: 31 of 1,613,950 alleles (0.0019%); highest among the groups gnomAD compares: African/African-American, 0.012%; no homozygotes.

Submissions (3):

Labcorp Genetics (formerly Invitae), Labcorp
Classification: Uncertain significance. Last evaluated: 2025-04-17. Review status: criteria provided, single submitter. Criteria: Invitae Variant Classification Sherloc (09022015). Collection method: clinical testing. Allele origin: germline.
Comment: This sequence change replaces arginine, which is basic and polar, with cysteine, which is neutral and slightly polar, at codon 2174 of the DNAH9 protein (p.Arg2174Cys). This variant is present in population databases (rs143563564, gnomAD 0.03%). This variant has not been reported in the literature in individuals affected with DNAH9-related conditions. ClinVar contains an entry for this variant (Variation ID: 1925735). Invitae Evidence Modeling of protein sequence and biophysical properties (such as structural, functional, and spatial information, amino acid conservation, physicochemical variation, residue mobility, and thermodynamic stability) indicates that this missense variant is expected to disrupt DNAH9 protein function with a positive predictive value of 80%. In summary, the available evidence is currently insufficient to determine the role of this variant in disease. Therefore, it has been classified as a Variant of Uncertain Significance.

PreventionGenetics, part of Exact Sciences
Classification: Uncertain significance for DNAH9-related condition. Last evaluated: 2025-03-15. Review status: criteria provided, single submitter. Criteria: ACMG Guidelines, 2015. Collection method: clinical testing. Allele origin: germline.
Comment: The DNAH9 c.6520C>T variant is predicted to result in the amino acid substitution p.Arg2174Cys. To our knowledge, this variant has not been reported in the literature. This variant is reported in 0.028% of alleles in individuals of African descent in gnomAD. At this time, the clinical significance of this variant is uncertain due to the absence of conclusive functional and genetic evidence.

Ambry Genetics
Classification: Uncertain significance for Inborn genetic diseases. Last evaluated: 2022-12-13. Review status: criteria provided, single submitter. Criteria: Ambry Variant Classification Scheme 2023. Collection method: clinical testing. Allele origin: germline.